The following is an entry in ClinVar:

ClinVar aggregate classification (germline): Pathogenic/Likely pathogenic. Review status: criteria provided, multiple submitters, no conflicts (2 of 4 stars). 2 submissions from 2 submitters: Pathogenic (1); Likely pathogenic (1). Last evaluated 2024-05-14.

Conditions:
3-methylcrotonyl-CoA carboxylase 1 deficiency (MCC1D). Also called: MCCD TYPE 1; METHYLCROTONYLGLYCINURIA TYPE I; MCC 1 deficiency; 3 Alpha methylcrotonylglycinuria 1. Identifiers: Orphanet 6, MedGen CN028786, MONDO:0008861, OMIM 210200.

Submissions (2):

Fulgent Genetics
Classification: Likely pathogenic for 3-methylcrotonyl-CoA carboxylase 1 deficiency. Last evaluated: 2024-05-14. Review status: criteria provided, single submitter. Criteria: ACMG Guidelines, 2015. Collection method: clinical testing. Allele origin: germline.

Labcorp Genetics (formerly Invitae), Labcorp
Classification: Pathogenic for 3-methylcrotonyl-CoA carboxylase 1 deficiency. Last evaluated: 2022-01-27. Review status: criteria provided, single submitter. Criteria: Invitae Variant Classification Sherloc (09022015). Collection method: clinical testing. Allele origin: germline.
Comment: This sequence change creates a premature translational stop signal (p.Ile578Leufs*21) in the MCCC1 gene. It is expected to result in an absent or disrupted protein product. Loss-of-function variants in MCCC1 are known to be pathogenic (PMID: 11181649, 15359379, 22642865). This variant is not present in population databases (gnomAD no frequency). This variant has not been reported in the literature in individuals affected with MCCC1-related conditions. This variant is also known as c.1731+1del. Algorithms developed to predict the effect of sequence changes on RNA splicing suggest that this variant may disrupt the consensus splice site. For these reasons, this variant has been classified as Pathogenic.

Literature cited by the submitters: PubMed 11181649 (cited by Labcorp Genetics (formerly Invitae), Labcorp); PubMed 15359379 (cited by Labcorp Genetics (formerly Invitae), Labcorp); PubMed 22642865 (cited by Labcorp Genetics (formerly Invitae), Labcorp).

NM_020166.5(MCCC1):c.1731+1del

Gene: MCCC1 (methylcrotonyl-CoA carboxylase subunit 1; minus strand). Cytogenetic location: 3q27.1.
Variant type: Deletion.
Coding change: c.1731+1del on transcript NM_020166.5 (MANE Select); the canonical splice donor site of the intron after coding-DNA position 1731, one base deleted (G; older notation c.1731+1delG).
Molecular consequence: splice donor variant.
Genome position (GRCh38, 1-based): chr3:183,025,754, C deleted on the plus strand (G on the coding strand, the reverse complement: MCCC1 is on the minus strand); the first of 2 consecutive C bases (chr3:183,025,754-183,025,755); deleting either gives the same sequence. VCF-style (leftmost placement, unchanged base first): chr3-183025753-AC-A. GRCh37 (hg19) VCF-style: chr3-182743541-AC-A.
Other names: c.1404+1del (NM_001363880.1); c.1380+1del (NM_001293273.2).
Identifiers: ClinVar variation 1936117 (VCV001936117.6), dbSNP rs2530057514, ClinGen allele CA2580069116.